The following is an entry in ClinVar:

NM_001184.4(ATR):c.262G>A (p.Gly88Arg)

Gene: ATR (ATR checkpoint kinase; minus strand). Cytogenetic location: 3q23.
Variant type: single nucleotide variant.
Coding change: c.262G>A on transcript NM_001184.4 (MANE Select); coding-DNA position 262, G replaced by A.
Protein change: p.Gly88Arg; replaces glycine 88 with arginine.
Molecular consequence: missense variant.
Genome position (GRCh38, 1-based): chr3:142,566,151, C>T on the plus strand (G>A on the coding strand, the complement: ATR is on the minus strand). VCF-style: chr3-142566151-C-T. GRCh37 (hg19) VCF-style: chr3-142284993-C-T.
Other names: c.262G>A, p.Gly88Arg (NM_001354579.2); short protein forms G88R.
Identifiers: ClinVar variation 942014 (VCV000942014.9), dbSNP rs2035064672, ClinGen allele CA354828354.

ClinVar aggregate classification (germline): Uncertain significance (1 of 4 stars; one submission).

Submission:

Labcorp Genetics (formerly Invitae), Labcorp
Classification: Uncertain significance. Last evaluated: 2019-09-16. Review status: criteria provided, single submitter. Criteria: Invitae Variant Classification Sherloc (09022015). Collection method: clinical testing. Allele origin: germline.
Comment: This variant is not present in population databases (ExAC no frequency). In summary, the available evidence is currently insufficient to determine the role of this variant in disease. Therefore, it has been classified as a Variant of Uncertain Significance. Algorithms developed to predict the effect of missense changes on protein structure and function are either unavailable or do not agree on the potential impact of this missense change (SIFT: "Deleterious"; PolyPhen-2: "Benign"; Align-GVGD: "Class C0"). This variant has not been reported in the literature in individuals with ATR-related conditions. This sequence change replaces glycine with arginine at codon 88 of the ATR protein (p.Gly88Arg). The glycine residue is moderately conserved and there is a moderate physicochemical difference between glycine and arginine.